The following is an entry in ClinVar:

ClinVar aggregate classification (germline): Uncertain significance (1 of 4 stars; one submission).

Conditions:
Congenital lactic acidosis, Saguenay-Lac-Saint-Jean type (MC4DN5). Also called: CYTOCHROME c OXIDASE DEFICIENCY, FRENCH CANADIAN TYPE; COX DEFICIENCY, FRENCH CANADIAN TYPE; MITOCHONDRIAL COMPLEX IV DEFICIENCY, NUCLEAR TYPE 5. Identifiers: Orphanet 70472, MedGen C1857355, MONDO:0009069, OMIM 220111.

Submission:

Myriad Genetics, Inc.
Classification: Uncertain significance for Congenital lactic acidosis, Saguenay-Lac-Saint-Jean type. Last evaluated: 2026-05-27. Review status: criteria provided, single submitter. Criteria: Myriad Autosomal Dominant, Autosomal Recessive and X-Linked Classification Criteria (2023). Collection method: clinical testing. Allele origin: unknown.
Comment: NM_133259.3(LRPPRC):c.4180dupT(S1394Ffs*4) is a readthrough frameshift variant classified as a variant of uncertain significance in the context of Leigh syndrome, French-Canadian type. S1394Ffs*4 has not been observed in cases with relevant disease. Relevant functional assessments of this variant are not available in the literature. S1394Ffs*4 has not been observed in referenced population frequency databases. In summary, there is insufficient evidence to classify NM_133259.3(LRPPRC):c.4180dupT(S1394Ffs*4) as pathogenic or benign. Please note: this variant was assessed in the context of healthy population screening.

NM_133259.4(LRPPRC):c.4180dup (p.Ser1394fs)

Gene: LRPPRC (leucine rich pentatricopeptide repeat containing; minus strand). Cytogenetic location: 2p21.
Variant type: Duplication.
Coding change: c.4180dup on transcript NM_133259.4 (MANE Select); coding-DNA position 4180, one base duplicated (T; older notation c.4180dupT).
Protein change: p.Ser1394fs; shifts the reading frame from serine 1394.
Molecular consequence: frameshift variant.
Genome position (GRCh38, 1-based): chr2:43,888,605, A duplicated on the plus strand (T on the coding strand, the reverse complement: LRPPRC is on the minus strand); the first of 2 consecutive A bases (chr2:43,888,605-43,888,606); duplicating either gives the same sequence. VCF-style (leftmost placement, unchanged base first): chr2-43888604-G-GA. GRCh37 (hg19) VCF-style: chr2-44115743-G-GA.
Other names: short protein forms S1394fs.
Identifiers: ClinVar variation 5003584 (VCV005003584.1).